The following is an entry in ClinVar:

NM_004820.5(CYP7B1):c.535G>A (p.Glu179Lys)

Gene: CYP7B1 (cytochrome P450 family 7 subfamily B member 1; minus strand). Cytogenetic location: 8q12.3.
Variant type: single nucleotide variant.
Coding change: c.535G>A on transcript NM_004820.5 (MANE Select); coding-DNA position 535, G replaced by A.
Protein change: p.Glu179Lys; replaces glutamic acid 179 with lysine.
Molecular consequence: missense variant.
Genome position (GRCh38, 1-based): chr8:64,616,006, C>T on the plus strand (G>A on the coding strand, the complement: CYP7B1 is on the minus strand). VCF-style: chr8-64616006-C-T. GRCh37 (hg19) VCF-style: chr8-65528563-C-T.
Other names: c.535G>A, p.Glu179Lys (NM_001324112.2); short protein forms E179K.
Identifiers: ClinVar variation 2108945 (VCV002108945.4), dbSNP rs2129630213, ClinGen allele CA371335534.
Genomic context (GRCh38, chr8:64,616,006, plus strand): 5'-TTCCATATATAGTTGTAAATGTGATCTCAAATATTATTGAGCTGCAGAATGGATACAGTT[C>T]TGCCGTGTCCCAACTTGTGGTTTTTAACAGCTGGGGTTCAAAAACTTGTTTTAGATTCTG-3'
Protein context (NP_004811.1, residues 169-189): LLKTTSWDTA[Glu179Lys]LYPFCSSIIF

ClinVar aggregate classification (germline): Uncertain significance (1 of 4 stars; one submission).

Conditions:
Spastic paraplegia. Identifiers: MedGen C0037772, HP:0001258.

Submission:

Labcorp Genetics (formerly Invitae), Labcorp
Classification: Uncertain significance for Spastic paraplegia. Last evaluated: 2022-03-11. Review status: criteria provided, single submitter. Criteria: Invitae Variant Classification Sherloc (09022015). Collection method: clinical testing. Allele origin: germline.
Comment: In summary, the available evidence is currently insufficient to determine the role of this variant in disease. Therefore, it has been classified as a Variant of Uncertain Significance. Algorithms developed to predict the effect of missense changes on protein structure and function output the following: SIFT: "Tolerated"; PolyPhen-2: "Benign"; Align-GVGD: "Class C0". The lysine amino acid residue is found in multiple mammalian species, which suggests that this missense change does not adversely affect protein function. This variant has not been reported in the literature in individuals affected with CYP7B1-related conditions. This variant is not present in population databases (gnomAD no frequency). This sequence change replaces glutamic acid, which is acidic and polar, with lysine, which is basic and polar, at codon 179 of the CYP7B1 protein (p.Glu179Lys).